The following is an entry in ClinVar:

ClinVar aggregate classification (germline): Pathogenic (1 of 4 stars; one submission).

Conditions:
Tuberous sclerosis 2 (TSC2). Identifiers: Orphanet 805, MedGen C1860707, MONDO:0013199, OMIM 613254.

Submission:

Labcorp Genetics (formerly Invitae), Labcorp
Classification: Pathogenic for Tuberous sclerosis 2. Last evaluated: 2022-06-07. Review status: criteria provided, single submitter. Criteria: Invitae Variant Classification Sherloc (09022015). Collection method: clinical testing. Allele origin: germline.
Comment: For these reasons, this variant has been classified as Pathogenic. Algorithms developed to predict the effect of sequence changes on RNA splicing suggest that this variant may disrupt the consensus splice site. ClinVar contains an entry for this variant (Variation ID: 1071233). This variant has not been reported in the literature in individuals affected with TSC2-related conditions. This variant is not present in population databases (gnomAD no frequency). This sequence change creates a premature translational stop signal (p.Phe897Leufs*19) in the TSC2 gene. It is expected to result in an absent or disrupted protein product. Loss-of-function variants in TSC2 are known to be pathogenic (PMID: 10205261, 17304050).

Literature cited by the submitters: PubMed 10205261; PubMed 17304050.

NM_000548.5(TSC2):c.2687_2690dup (p.Phe897fs)

Gene: TSC2 (TSC complex subunit 2; plus strand). Cytogenetic location: 16p13.3.
Variant type: Duplication.
Coding change: c.2687_2690dup on transcript NM_000548.5 (MANE Select); coding-DNA positions 2687 to 2690, 4 bases duplicated (GGTT; older notation c.2687_2690dupGGTT).
Protein change: p.Phe897fs; shifts the reading frame from phenylalanine 897.
Molecular consequence: frameshift variant.
Genome position (GRCh38, 1-based): chr16:2,076,115-2,076,118, GGTT duplicated; duplicating any 4 consecutive bases within chr16:2,076,114-2,076,118 gives the same sequence; the c. name uses the placement nearest the transcript's 3' end. VCF-style (leftmost placement, unchanged base first): chr16-2076113-G-GTGGT. GRCh37 (hg19) VCF-style: chr16-2126114-G-GTGGT.
Other names: c.2687_2690dup, p.Phe897fs (NM_001077183.3, NM_001114382.3, NM_001363528.2 and 3 more transcripts); c.2576_2579dup, p.Phe860fs (NM_001318827.2); c.2540_2543dup, p.Phe848fs (NM_001318829.2); c.2087_2090dup, p.Phe697fs (NM_001318831.2); c.2720_2723dup, p.Phe908fs (NM_001318832.2); short protein forms F697fs, F848fs, F860fs, F897fs, F908fs.
Identifiers: ClinVar variation 1071233 (VCV001071233.7), dbSNP rs2151387560, ClinGen allele CA2499223307.